The following is an entry in ClinVar:

NM_015909.4(NBAS):c.954+4848C>T

Gene: NBAS (NBAS subunit of NRZ tethering complex; minus strand). Cytogenetic location: 2p24.3.
Variant type: single nucleotide variant.
Coding change: c.954+4848C>T on transcript NM_015909.4 (MANE Select); 4848 bases into the intron after coding-DNA position 954, C replaced by T.
Molecular consequence: intron variant.
Genome position (GRCh38, 1-based): chr2:15,499,297, G>A on the plus strand (C>T on the coding strand, the complement: NBAS is on the minus strand). VCF-style: chr2-15499297-G-A. GRCh37 (hg19) VCF-style: chr2-15639421-G-A.
Identifiers: ClinVar variation 1683681 (VCV001683681.2), dbSNP rs2148627761, ClinGen allele CA2573133120.

ClinVar aggregate classification (germline): Uncertain significance (1 of 4 stars; one submission).

Conditions:
Infantile liver failure syndrome 2 (ILFS2). Identifiers: MedGen C3809651, MONDO:0014659, OMIM 616483.

Submission:

Laboratorio de Genetica e Diagnostico Molecular, Hospital Israelita Albert Einstein
Classification: Uncertain significance for Infantile liver failure syndrome 2. Last evaluated: 2021-06-28. Review status: criteria provided, single submitter. Criteria: ACMG Guidelines, 2015. Collection method: clinical testing. Allele origin: germline. Affected: yes.
Comment: ACMG classification criteria: PM2 moderate